The following is an entry in ClinVar:

NM_000814.6(GABRB3):c.46C>T (p.Pro16Ser)

Gene: GABRB3 (gamma-aminobutyric acid type A receptor subunit beta3; minus strand). Cytogenetic location: 15q12.
Variant type: single nucleotide variant.
Coding change: c.46C>T on transcript NM_000814.6 (MANE Select); coding-DNA position 46, C replaced by T.
Protein change: p.Pro16Ser; replaces proline 16 with serine.
Molecular consequence: missense variant. On other transcripts: 5 prime UTR variant (1), intron variant (1).
Genome position (GRCh38, 1-based): chr15:26,772,917, G>A on the plus strand (C>T on the coding strand, the complement: GABRB3 is on the minus strand). VCF-style: chr15-26772917-G-A. GRCh37 (hg19) VCF-style: chr15-27018064-G-A.
Other names: c.-306C>T (NM_001278631.2); c.81-145C>T (NM_021912.5); short protein forms P16S.
Identifiers: ClinVar variation 2947812 (VCV002947812.3), dbSNP rs1242309134, ClinGen allele CA391465619.
Genomic context (GRCh38, chr15:26,772,917, plus strand): 5'-GCCCGCCGGCCCACCCGCGACCCTACCTCTGGGCGCAGCACACCACAGCCACCAGCACCG[G>A]GGCCGAGAAGATGCCGAAAAGCCTTCCTCCCGCAAGGCCCCACATCCCTCCGCCGCGCCC-3'
Protein context (NP_000805.1, residues 6-26): GGRLFGIFSA[Pro16Ser]VLVAVVCCAQ

ClinVar aggregate classification (germline): Uncertain significance (1 of 4 stars; one submission).

Conditions:
Epilepsy, childhood absence, susceptibility to, 1. Also called: Epilepsy, childhood absence 1. Identifiers: Orphanet 64280, MedGen C1838604, MONDO:0020759, OMIM 600131.
Epilepsy, childhood absence, susceptibility to, 5. Identifiers: Orphanet 64280, MedGen C2677087, MONDO:0012843, OMIM 612269.

Submission:

Labcorp Genetics (formerly Invitae), Labcorp
Classification: Uncertain significance for Epilepsy, childhood absence, susceptibility to, 5; Epilepsy, childhood absence, susceptibility to, 1. Last evaluated: 2023-05-16. Review status: criteria provided, single submitter. Criteria: Invitae Variant Classification Sherloc (09022015). Collection method: clinical testing. Allele origin: germline.
Comment: This variant has not been reported in the literature in individuals affected with GABRB3-related conditions. In summary, the available evidence is currently insufficient to determine the role of this variant in disease. Therefore, it has been classified as a Variant of Uncertain Significance. Advanced modeling of protein sequence and biophysical properties (such as structural, functional, and spatial information, amino acid conservation, physicochemical variation, residue mobility, and thermodynamic stability) performed at Invitae indicates that this missense variant is not expected to disrupt GABRB3 protein function. This variant is not present in population databases (gnomAD no frequency). This sequence change replaces proline, which is neutral and non-polar, with serine, which is neutral and polar, at codon 16 of the GABRB3 protein (p.Pro16Ser).